The following is an entry in ClinVar:

ClinVar aggregate classification (germline): Likely benign. Review status: criteria provided, multiple submitters, no conflicts (2 of 4 stars). 2 submissions from 2 submitters: Likely benign (2). Last evaluated 2026-04-01.

Allele frequency attached by ClinVar (database versions not stated): gnomAD exomes below 0.00001; gnomAD 0.00001; TOPMed 0.00002.
gnomAD v4.1: 7 of 1,614,008 alleles (0.00043%); highest among the groups gnomAD compares: Admixed American, 0.012%; no homozygotes.

Submissions (2):

CeGaT Center for Human Genetics Tuebingen
Classification: Likely benign. Last evaluated: 2026-04-01. Review status: criteria provided, single submitter. Criteria: CeGaT Center For Human Genetics Tuebingen Variant Classification Criteria Version 2. Collection method: clinical testing. Allele origin: germline. Affected: yes. Observed: 1 variant allele.
Comment: HIVEP2: BP4, BP7

Labcorp Genetics (formerly Invitae), Labcorp
Classification: Likely benign. Last evaluated: 2024-05-15. Review status: criteria provided, single submitter. Criteria: Invitae Variant Classification Sherloc (09022015). Collection method: clinical testing. Allele origin: germline.

NM_006734.4(HIVEP2):c.6405A>G (p.Arg2135=)

Gene: HIVEP2 (HIVEP zinc finger 2; minus strand). Cytogenetic location: 6q24.2.
Variant type: single nucleotide variant.
Coding change: c.6405A>G on transcript NM_006734.4 (MANE Select); coding-DNA position 6405, A replaced by G.
Protein change: p.Arg2135=; no amino-acid change (arginine 2135 retained).
Molecular consequence: synonymous variant.
Genome position (GRCh38, 1-based): chr6:142,759,883, T>C on the plus strand (A>G on the coding strand, the complement: HIVEP2 is on the minus strand). VCF-style: chr6-142759883-T-C. GRCh37 (hg19) VCF-style: chr6-143081020-T-C.
Identifiers: ClinVar variation 1976511 (VCV001976511.9), dbSNP rs950938706, ClinGen allele CA149007294.